The following is an entry in ClinVar:

ClinVar aggregate classification (germline): Uncertain significance (1 of 4 stars; one submission).

Submission:

Labcorp Genetics (formerly Invitae), Labcorp
Classification: Uncertain significance. Last evaluated: 2021-02-21. Review status: criteria provided, single submitter. Criteria: Invitae Variant Classification Sherloc (09022015). Collection method: clinical testing. Allele origin: germline.
Comment: This variant has not been reported in the literature in individuals with AMH-related conditions. Algorithms developed to predict the effect of missense changes on protein structure and function are either unavailable or do not agree on the potential impact of this missense change (SIFT: "Not Available"; PolyPhen-2: "Probably Damaging"; Align-GVGD: "Not Available"). In summary, the available evidence is currently insufficient to determine the role of this variant in disease. Therefore, it has been classified as a Variant of Uncertain Significance. The frequency data for this variant in the population databases is considered unreliable, as metrics indicate insufficient coverage at this position in the ExAC database. This sequence change replaces glycine with arginine at codon 417 of the AMH protein (p.Gly417Arg). The glycine residue is moderately conserved and there is a moderate physicochemical difference between glycine and arginine.

NM_000479.5(AMH):c.1249G>C (p.Gly417Arg)

Gene: AMH (anti-Mullerian hormone; plus strand). Cytogenetic location: 19p13.3.
Variant type: single nucleotide variant.
Coding change: c.1249G>C on transcript NM_000479.5 (MANE Select); coding-DNA position 1249, G replaced by C.
Protein change: p.Gly417Arg; replaces glycine 417 with arginine.
Molecular consequence: missense variant.
Genome position (GRCh38, 1-based): chr19:2,251,523, G>C. VCF-style: chr19-2251523-G-C. GRCh37 (hg19) VCF-style: chr19-2251522-G-C.
Other names: short protein forms G417R.
Identifiers: ClinVar variation 1512485 (VCV001512485.5), dbSNP rs1172724431, ClinGen allele CA403242545.